The following is an entry in ClinVar:

NM_015937.6(PIGT):c.886G>A (p.Val296Met)

Gene: PIGT (phosphatidylinositol glycan anchor biosynthesis class T; plus strand). Cytogenetic location: 20q13.12.
Variant type: single nucleotide variant.
Coding change: c.886G>A on transcript NM_015937.6 (MANE Select); coding-DNA position 886, G replaced by A.
Protein change: p.Val296Met; replaces valine 296 with methionine.
Molecular consequence: missense variant. On other transcripts: non-coding transcript variant (5).
Genome position (GRCh38, 1-based): chr20:45,420,546, G>A. VCF-style: chr20-45420546-G-A. GRCh37 (hg19) VCF-style: chr20-44049186-G-A.
Other names: c.886G>A (NM_015937.5, NM_015937.4); c.718G>A, p.Val240Met (NM_001184728.3); c.886G>A, p.Val296Met (NM_001184729.3); c.580G>A, p.Val194Met (NM_001184730.3); short protein forms V194M, V240M, V296M.
Identifiers: ClinVar variation 2075578 (VCV002075578.8), dbSNP rs375947336, ClinGen allele CA9878101.

ClinVar aggregate classification (germline): Conflicting classifications of pathogenicity. Review status: criteria provided, conflicting classifications (1 of 4 stars). 4 submissions from 4 submitters: Uncertain significance (3); Likely benign (1). Last evaluated 2026-01-05.

Conditions:
Inborn genetic diseases. Identifiers: MedGen C0950123, MeSH D030342.
Multiple congenital anomalies-hypotonia-seizures syndrome 3 (MCAHS3). Also called: GLYCOSYLPHOSPHATIDYLINOSITOL BIOSYNTHESIS DEFECT 7. Identifiers: Orphanet 369837, MedGen C3809356, MONDO:0014165, OMIM 615398.

Allele frequency attached by ClinVar (database versions not stated): gnomAD exomes 0.00003; ExAC 0.00004; ESP Exome Variant Server 0.00008; 1000 Genomes Project 0.00020; 1000 Genomes Project 30x 0.00031; gnomAD 0.00034; TOPMed 0.00041.

Submissions (4):

Labcorp Genetics (formerly Invitae), Labcorp
Classification: Likely benign for Multiple congenital anomalies-hypotonia-seizures syndrome 3. Last evaluated: 2026-01-05. Review status: criteria provided, single submitter. Criteria: Invitae Variant Classification Sherloc (09022015). Collection method: clinical testing. Allele origin: germline.

GeneDx
Classification: Uncertain significance. Last evaluated: 2025-09-16. Review status: criteria provided, single submitter. Criteria: GeneDx Variant Classification Process June 2021. Collection method: clinical testing. Allele origin: germline. Affected: yes.
Comment: In silico analysis suggests that this missense variant does not alter protein structure/function; Has not been previously published as pathogenic or benign to our knowledge

Ambry Genetics
Classification: Uncertain significance for Inborn genetic diseases. Last evaluated: 2024-06-26. Review status: criteria provided, single submitter. Criteria: Ambry Variant Classification Scheme 2023. Collection method: clinical testing. Allele origin: germline.

Blueprint Genetics
Classification: Uncertain significance. Last evaluated: 2024-06-26. Review status: criteria provided, single submitter. Criteria: ACMG Guidelines, 2015. Collection method: clinical testing. Allele origin: germline.